The following is an entry in ClinVar:

NM_024782.3(NHEJ1):c.324dup (p.Arg109fs)

Gene: NHEJ1 (non-homologous end joining factor 1; minus strand). Cytogenetic location: 2q35.
Variant type: Duplication.
Coding change: c.324dup on transcript NM_024782.3 (MANE Select); coding-DNA position 324, one base duplicated (G; older notation c.324dupG).
Protein change: p.Arg109fs; shifts the reading frame from arginine 109.
Molecular consequence: frameshift variant. On other transcripts: non-coding transcript variant (1).
Genome position (GRCh38, 1-based): chr2:219,157,538, C duplicated on the plus strand (G on the coding strand, the reverse complement: NHEJ1 is on the minus strand). VCF-style (leftmost placement, unchanged base first): chr2-219157537-G-GC. GRCh37 (hg19) VCF-style: chr2-220022259-G-GC.
Other names: c.324dup, p.Arg109fs (NM_001377498.1, NM_001377499.1); c.324dupG (NM_024782.2); short protein forms R109fs.
Identifiers: ClinVar variation 280838 (VCV000280838.2), dbSNP rs886041973, ClinGen allele CA10602847.

ClinVar aggregate classification (germline): Pathogenic (1 of 4 stars; one submission).

Submission:

GeneDx
Classification: Pathogenic. Last evaluated: 2016-09-06. Review status: criteria provided, single submitter. Criteria: GeneDx Variant Classification (06012015). Collection method: clinical testing. Allele origin: germline. Affected: yes.
Comment: The c.324dupG pathogenic variant in the NHEJ1 gene has been reported previously in association with NHEJ1-SCID (IJspeert et al., 2016). The duplication causes a frameshift starting with codon Arginine 109, changes this amino acid to an Alanine residue and creates a premature Stop codon at position 3 of the new reading frame, denoted p.Arg109AlafsX3. This pathogenic variant is predicted to cause loss of normal protein function either through protein truncation or nonsense-mediated mRNA decay. Additionally, the variant was not observed in approximately 6,500 individuals of European and African American ancestry in the NHLBI Exome Sequencing Project, indicating it is not a common benign variant in these populations. Therefore, we consider this variant to be pathogenic.